The following is an entry in ClinVar:

NM_000138.5(FBN1):c.6650G>C (p.Cys2217Ser)

Gene: FBN1 (fibrillin 1; minus strand). Cytogenetic location: 15q21.1.
Variant type: single nucleotide variant.
Coding change: c.6650G>C on transcript NM_000138.5 (MANE Select); coding-DNA position 6650, G replaced by C.
Protein change: p.Cys2217Ser; replaces cysteine 2217 with serine.
Molecular consequence: missense variant.
Genome position (GRCh38, 1-based): chr15:48,432,955, C>G on the plus strand (G>C on the coding strand, the complement: FBN1 is on the minus strand). VCF-style: chr15-48432955-C-G. GRCh37 (hg19) VCF-style: chr15-48725152-C-G.
Other names: c.6650G>C, p.Cys2217Ser (NM_001406716.1); short protein forms C2217S.
Identifiers: ClinVar variation 2950717 (VCV002950717.3), dbSNP rs794728254, ClinGen allele CA392333605.

ClinVar aggregate classification (germline): Pathogenic (1 of 4 stars; one submission).

Conditions:
Marfan syndrome (MFS). Also called: MARFAN SYNDROME, TYPE I; Marfan syndrome type 1; Marfan's syndrome; Marfan syndrome, classic; FBN1-Related Marfan Syndrome. Identifiers: Orphanet 284963, Orphanet 558, MedGen C0024796, MONDO:0007947, OMIM 154700.
Familial thoracic aortic aneurysm and aortic dissection (TAAD). Also called: Thoracic aortic aneurysms and dissections. Identifiers: Orphanet 91387, MedGen C4707243, MONDO:0019625.

Submission:

Labcorp Genetics (formerly Invitae), Labcorp
Classification: Pathogenic for Marfan syndrome; Familial thoracic aortic aneurysm and aortic dissection. Last evaluated: 2025-03-09. Review status: criteria provided, single submitter. Criteria: Invitae Variant Classification Sherloc (09022015). Collection method: clinical testing. Allele origin: germline.
Comment: This sequence change replaces cysteine, which is neutral and slightly polar, with serine, which is neutral and polar, at codon 2217 of the FBN1 protein (p.Cys2217Ser). This variant is not present in population databases (gnomAD no frequency). This missense change has been observed in individual(s) with thoracic aortic aneurysm and dissection (internal data). ClinVar contains an entry for this variant (Variation ID: 2950717). Invitae Evidence Modeling of protein sequence and biophysical properties (such as structural, functional, and spatial information, amino acid conservation, physicochemical variation, residue mobility, and thermodynamic stability) indicates that this missense variant is expected to disrupt FBN1 protein function with a positive predictive value of 95%. This variant affects a cysteine residue in the EGF-like, TGFBP or hybrid motif domains of FBN1. Cysteine residues are believed to be involved in intramolecular disulfide bridges and have been shown to be important for FBN1 protein structure (PMID: 16905551, 19349279). In addition, missense substitutions affecting cysteine residues within these domains are significantly overrepresented among patients with Marfan syndrome (PMID: 16571647, 17701892). This variant disrupts the p.Cys2217 amino acid residue in FBN1. Other variant(s) that disrupt this residue have been observed in individuals with FBN1-related conditions (PMID: 26770496, 26787436; internal data), which suggests that this may be a clinically significant amino acid residue. For these reasons, this variant has been classified as Pathogenic.

Literature cited by the submitters: PubMed 16905551; PubMed 19349279; PubMed 16571647; PubMed 17701892; PubMed 26770496; PubMed 26787436.